The following is an entry in ClinVar:

NM_021035.3(ZNFX1):c.1653G>C (p.Met551Ile)

Gene: ZNFX1 (zinc finger NFX1-type containing 1; minus strand). Cytogenetic location: 20q13.13.
Variant type: single nucleotide variant.
Coding change: c.1653G>C on transcript NM_021035.3 (MANE Select); coding-DNA position 1653, G replaced by C.
Protein change: p.Met551Ile; replaces methionine 551 with isoleucine.
Molecular consequence: missense variant.
Genome position (GRCh38, 1-based): chr20:49,270,159, C>G on the plus strand (G>C on the coding strand, the complement: ZNFX1 is on the minus strand). VCF-style: chr20-49270159-C-G. GRCh37 (hg19) VCF-style: chr20-47886696-C-G.
Other names: short protein forms M551I.
Identifiers: ClinVar variation 3479082 (VCV003479082.14).

ClinVar aggregate classification (germline): Conflicting classifications of pathogenicity. Review status: criteria provided, conflicting classifications (1 of 4 stars). 2 submissions from 2 submitters: Uncertain significance (1); Likely benign (1). Last evaluated 2025-02-01.

Conditions:
Inborn genetic diseases. Identifiers: MedGen C0950123, MeSH D030342.

Submissions (2):

CeGaT Center for Human Genetics Tuebingen
Classification: Likely benign. Last evaluated: 2025-02-01. Review status: criteria provided, single submitter. Criteria: CeGaT Center For Human Genetics Tuebingen Variant Classification Criteria Version 2. Collection method: clinical testing. Allele origin: germline. Affected: yes. Observed: 1 variant allele.
Comment: ZNFX1: PP2, BP4, BS1

Ambry Genetics
Classification: Uncertain significance for Inborn genetic diseases. Last evaluated: 2024-11-21. Review status: criteria provided, single submitter. Criteria: Ambry Variant Classification Scheme 2023. Collection method: clinical testing. Allele origin: germline.